The following is an entry in ClinVar:

ClinVar aggregate classification (germline): Conflicting classifications of pathogenicity. Review status: criteria provided, conflicting classifications (1 of 4 stars). 5 submissions from 5 submitters: Uncertain significance (3); Likely benign (1). 1 of the submissions does not count toward it. Last evaluated 2025-11-05.

Conditions:
Hereditary cancer-predisposing syndrome. Also called: Hereditary Cancer Syndrome; Hereditary neoplastic syndrome; Neoplastic Syndromes, Hereditary; Tumor predisposition. Identifiers: Orphanet 140162, MedGen C0027672, MeSH D009386, MONDO:0015356.
Bloom syndrome (BLM). Also called: Bloom-Torre-Machacek syndrome. Identifiers: Orphanet 125, MedGen C0005859, MONDO:0008876, OMIM 210900.

gnomAD v4.1: 6 of 1,613,216 alleles (0.00037%); highest among the groups gnomAD compares: Admixed American, 0.005%; no homozygotes.

Submissions (5):

Labcorp Genetics (formerly Invitae), Labcorp
Classification: Uncertain significance for Bloom syndrome. Last evaluated: 2025-11-05. Review status: criteria provided, single submitter. Criteria: Invitae Variant Classification Sherloc (09022015). Collection method: clinical testing. Allele origin: germline.
Comment: This sequence change replaces histidine, which is basic and polar, with arginine, which is basic and polar, at codon 281 of the BLM protein (p.His281Arg). This variant is present in population databases (no rsID available, gnomAD 0.009%). This variant has not been reported in the literature in individuals affected with BLM-related conditions. ClinVar contains an entry for this variant (Variation ID: 454167). Invitae Evidence Modeling of protein sequence and biophysical properties (such as structural, functional, and spatial information, amino acid conservation, physicochemical variation, residue mobility, and thermodynamic stability) indicates that this missense variant is not expected to disrupt BLM protein function with a negative predictive value of 80%. In summary, the available evidence is currently insufficient to determine the role of this variant in disease. Therefore, it has been classified as a Variant of Uncertain Significance.

Ambry Genetics
Classification: Likely benign for Hereditary cancer-predisposing syndrome. Last evaluated: 2024-03-14. Review status: criteria provided, single submitter. Criteria: Ambry Variant Classification Scheme 2023. Collection method: clinical testing. Allele origin: germline.

Quest Diagnostics Nichols Institute San Juan Capistrano
Classification: Uncertain significance. Last evaluated: 2022-12-03. Review status: criteria provided, single submitter. Criteria: Quest Diagnostics criteria. Collection method: clinical testing. Allele origin: unknown.
Comment: The variant has not been reported in the published literature. The frequency of this variant in the general population, 0.000087 (3/34582 chromosomes), is uninformative in assessment of its pathogenicity. Analysis of this variant using bioinformatics tools for the prediction of the effect of amino acid changes on protein structure and function yielded predictions that this variant is benign. Based on the available information, we are unable to determine the clinical significance of this variant.

Mendelics
Classification: Uncertain significance for Bloom syndrome. Last evaluated: 2019-05-28. Review status: criteria provided, single submitter. Criteria: Mendelics Assertion Criteria 2017. Collection method: clinical testing. Allele origin: unknown.

Natera, Inc.
Classification: Uncertain significance for Bloom syndrome. Last evaluated: 2018-10-17. Review status: no assertion criteria provided. Collection method: clinical testing. Allele origin: germline. Not counted in ClinVar's aggregate classification.

NM_000057.4(BLM):c.842A>G (p.His281Arg)

Gene: BLM (BLM RecQ like helicase; plus strand). Cytogenetic location: 15q26.1.
Variant type: single nucleotide variant.
Coding change: c.842A>G on transcript NM_000057.4 (MANE Select); coding-DNA position 842, A replaced by G.
Protein change: p.His281Arg; replaces histidine 281 with arginine.
Molecular consequence: missense variant. On other transcripts: 5 prime UTR variant (1).
Genome position (GRCh38, 1-based): chr15:90,751,829, A>G. VCF-style: chr15-90751829-A-G. GRCh37 (hg19) VCF-style: chr15-91295059-A-G.
Other names: c.842A>G, p.His281Arg (NM_001287246.2, NM_001287247.2); c.-450A>G (NM_001287248.2); short protein forms H281R.
Identifiers: ClinVar variation 454167 (VCV000454167.17), dbSNP rs202042636, ClinGen allele CA393841709.